The following is an entry in ClinVar:

ClinVar aggregate classification (germline): Conflicting classifications of pathogenicity. Review status: criteria provided, conflicting classifications (1 of 4 stars). 6 submissions from 6 submitters: Likely pathogenic (1); Uncertain significance (4). 1 of the submissions does not count toward it. Last evaluated 2025-06-17.

Conditions:
SLC22A5-related disorder. Also called: SLC22A5-related condition.
Renal carnitine transport defect (CDSP). Also called: Primary carnitine deficiency; Carnitine transporter deficiency; Carnitine Deficiency, Systemic; Systemic primary carnitine deficiency disease; Systemic primary carnitine deficiency; CARNITINE DEFICIENCY, SYSTEMIC, DUE TO DEFECT IN RENAL REABSORPTION OF CARNITINE. Identifiers: Orphanet 158, MedGen C0342788, MONDO:0008919, OMIM 212140.

Allele frequency attached by ClinVar (database versions not stated): gnomAD 0.00005 and 0.00004; TOPMed 0.00004; ESP Exome Variant Server 0.00008.

Submissions (6):

Women's Health and Genetics/Laboratory Corporation of America, LabCorp
Classification: Uncertain significance. Last evaluated: 2025-06-17. Review status: criteria provided, single submitter. Criteria: LabCorp Variant Classification Summary - May 2015. Collection method: clinical testing. Allele origin: germline.
Comment: Variant summary: SLC22A5 c.769C>T (p.Arg257Trp) results in a non-conservative amino acid change in the encoded protein sequence. Algorithms developed to predict the effect of missense changes on protein structure and function all suggest that this variant is likely to be disruptive. The variant allele was found at a frequency of 4.4e-05 in 251482 control chromosomes, predominantly at a frequency of 9.7e-05 within the Non-Finnish European subpopulation in the gnomAD database. This frequency is not significantly higher than estimated for a pathogenic variant in SLC22A5 causing Systemic Primary Carnitine Deficiency (4.4e-05 vs 0.0046), allowing no conclusion about variant significance. c.769C>T has been observed in individual(s) affected with Systemic Primary Carnitine Deficiency (Li_2010). These data do not allow any conclusion about variant significance. At least one publication reports experimental evidence evaluating an impact on protein function (Koleske_2022, Frigeni_2017). The most pronounced variant effect results in 27% of WT carnitine transport HEK293Tcells (Koleske_2022). The following publications have been ascertained in the context of this evaluation (PMID: 28841266, 31980526, 36343260, 20574985, 25087612).ClinVar contains an entry for this variant (Variation ID: 25391). Based on the evidence outlined above, the variant was classified as VUS-possibly pathogenic.

Giacomini Lab, University of California, San Francisco
Classification: Uncertain significance for Renal carnitine transport defect. Last evaluated: 2022-10-03. Review status: criteria provided, single submitter. Criteria: ACMG Guidelines, 2015. Collection method: research, in vitro. Allele origin: germline, not applicable.

Labcorp Genetics (formerly Invitae), Labcorp
Classification: Uncertain significance for Renal carnitine transport defect. Last evaluated: 2022-07-20. Review status: criteria provided, single submitter. Criteria: Invitae Variant Classification Sherloc (09022015). Collection method: clinical testing. Allele origin: germline.
Comment: This sequence change replaces arginine, which is basic and polar, with tryptophan, which is neutral and slightly polar, at codon 257 of the SLC22A5 protein (p.Arg257Trp). This variant is present in population databases (rs386134203, gnomAD 0.01%). This missense change has been observed in individual(s) with clinical features of carnitine deficiency (PMID: 20574985). This variant is also known as c.841C>T (p.Arg281Trp). ClinVar contains an entry for this variant (Variation ID: 25391). Advanced modeling of protein sequence and biophysical properties (such as structural, functional, and spatial information, amino acid conservation, physicochemical variation, residue mobility, and thermodynamic stability) performed at Invitae indicates that this missense variant is expected to disrupt SLC22A5 protein function. Experimental studies have shown that this missense change affects SLC22A5 function (PMID: 28841266). In summary, the available evidence is currently insufficient to determine the role of this variant in disease. Therefore, it has been classified as a Variant of Uncertain Significance.

Fulgent Genetics
Classification: Uncertain significance for Renal carnitine transport defect. Last evaluated: 2021-11-21. Review status: criteria provided, single submitter. Criteria: ACMG Guidelines, 2015. Collection method: clinical testing. Allele origin: unknown.

Blueprint Genetics
Classification: Likely pathogenic for SLC22A5-related disorders. Last evaluated: 2020-09-11. Review status: criteria provided, single submitter. Criteria: ACMG Guidelines, 2015. Collection method: clinical testing. Allele origin: germline. Affected: yes. Observed: 3 variant alleles.

Natera, Inc.
Classification: Uncertain significance for Primary systemic carnitine deficiency. Last evaluated: 2020-09-16. Review status: no assertion criteria provided. Collection method: clinical testing. Allele origin: germline. Not counted in ClinVar's aggregate classification.

Literature cited by the submitters: PubMed 25087612 (cited by Women's Health and Genetics/Laboratory Corporation of America, LabCorp); PubMed 20574985 (cited by Women's Health and Genetics/Laboratory Corporation of America, LabCorp and Labcorp Genetics (formerly Invitae), Labcorp); PubMed 28841266 (cited by Women's Health and Genetics/Laboratory Corporation of America, LabCorp and Labcorp Genetics (formerly Invitae), Labcorp); PubMed 31980526 (cited by Women's Health and Genetics/Laboratory Corporation of America, LabCorp); PubMed 36343260 (cited by Women's Health and Genetics/Laboratory Corporation of America, LabCorp).

NM_003060.4(SLC22A5):c.769C>T (p.Arg257Trp)

Gene: SLC22A5 (solute carrier family 22 member 5; plus strand). Cytogenetic location: 5q31.1.
Variant type: single nucleotide variant.
Coding change: c.769C>T on transcript NM_003060.4 (MANE Select); coding-DNA position 769, C replaced by T.
Protein change: p.Arg257Trp; replaces arginine 257 with tryptophan.
Molecular consequence: missense variant.
Genome position (GRCh38, 1-based): chr5:132,385,444, C>T. VCF-style: chr5-132385444-C-T. GRCh37 (hg19) VCF-style: chr5-131721136-C-T.
Other names: c.841C>T, p.Arg281Trp (NM_001308122.2); short protein forms R281W.
Identifiers: ClinVar variation 25391 (VCV000025391.15), dbSNP rs386134203, ClinGen allele CA312947.